The following is an entry in ClinVar:

NM_000135.4(FANCA):c.1657A>G (p.Lys553Glu)

Gene: FANCA (FA complementation group A; minus strand). Cytogenetic location: 16q24.3.
Variant type: single nucleotide variant.
Coding change: c.1657A>G on transcript NM_000135.4 (MANE Select); coding-DNA position 1657, A replaced by G.
Protein change: p.Lys553Glu; replaces lysine 553 with glutamic acid.
Molecular consequence: missense variant.
Genome position (GRCh38, 1-based): chr16:89,779,927, T>C on the plus strand (A>G on the coding strand, the complement: FANCA is on the minus strand). VCF-style: chr16-89779927-T-C. GRCh37 (hg19) VCF-style: chr16-89846335-T-C.
Other names: c.1657A>G, p.Lys553Glu (NM_001286167.3); short protein forms K553E.
Identifiers: ClinVar variation 4619153 (VCV004619153.1).

ClinVar aggregate classification (germline): Uncertain significance (1 of 4 stars; one submission).

Conditions:
Inborn genetic diseases. Identifiers: MedGen C0950123, MeSH D030342.

Submission:

Ambry Genetics
Classification: Uncertain significance for Inborn genetic diseases. Last evaluated: 2025-09-19. Review status: criteria provided, single submitter. Criteria: Ambry Variant Classification Scheme 2023. Collection method: clinical testing. Allele origin: germline.
Comment: The p.K553E variant (also known as c.1657A>G), located in coding exon 18 of the FANCA gene, results from an A to G substitution at nucleotide position 1657. The lysine at codon 553 is replaced by glutamic acid, an amino acid with similar properties. This amino acid position is conserved. In addition, this alteration is predicted to be deleterious by in silico analysis. Based on the available evidence, the clinical significance of this variant remains unclear.